The following is an entry in ClinVar:

NM_018192.4(P3H2):c.233_258dup (p.His87fs)

Gene: P3H2 (prolyl 3-hydroxylase 2; minus strand). Cytogenetic location: 3q28.
Variant type: Duplication.
Coding change: c.233_258dup on transcript NM_018192.4 (MANE Select); coding-DNA positions 233 to 258, 26 bases duplicated (GGGAAATCCGCACGCGCTGTGCCCGC).
Protein change: p.His87fs; shifts the reading frame from histidine 87.
Molecular consequence: frameshift variant. On other transcripts: intron variant (1).
Genome position (GRCh38, 1-based): chr3:190,120,474-190,120,499, GCGGGCACAGCGCGTGCGGATTTCCC duplicated on the plus strand (GGGAAATCCGCACGCGCTGTGCCCGC on the coding strand, the reverse complement: P3H2 is on the minus strand); duplicating any 26 consecutive bases within chr3:190,120,474-190,120,501 gives the same sequence; the c. name uses the placement nearest the transcript's 3' end. VCF-style (leftmost placement, unchanged base first): chr3-190120473-G-GGCGGGCACAGCGCGTGCGGATTTCCC. GRCh37 (hg19) VCF-style: chr3-189838262-G-GGCGGGCACAGCGCGTGCGGATTTCCC.
Other names: c.-64+1704_-64+1729dup (NM_001134418.2); c.233_258dup26 (NM_018192.3); short protein forms H87fs.
Identifiers: ClinVar variation 1070342 (VCV001070342.7), dbSNP rs1712515698, ClinGen allele CA913102512.

ClinVar aggregate classification (germline): Pathogenic/Likely pathogenic. Review status: criteria provided, multiple submitters, no conflicts (2 of 4 stars). 3 submissions from 3 submitters: Pathogenic (1); Likely pathogenic (2). Last evaluated 2026-01-14.

Conditions:
P3H2-related disorders.
P3H2-related disorder. Also called: P3H2-related condition.

Submissions (3):

Labcorp Genetics (formerly Invitae), Labcorp
Classification: Pathogenic. Last evaluated: 2026-01-14. Review status: criteria provided, single submitter. Criteria: Invitae Variant Classification Sherloc (09022015). Collection method: clinical testing. Allele origin: germline.
Comment: This sequence change creates a premature translational stop signal (p.His87Glyfs*126) in the P3H2 gene. It is expected to result in an absent or disrupted protein product. Loss-of-function variants in P3H2 are known to be pathogenic (PMID: 24172257, 25469533). This variant is not present in population databases (gnomAD no frequency). This variant has not been reported in the literature in individuals affected with P3H2-related conditions. ClinVar contains an entry for this variant (Variation ID: 1070342). For these reasons, this variant has been classified as Pathogenic.

PreventionGenetics, part of Exact Sciences
Classification: Likely pathogenic for P3H2-related condition. Last evaluated: 2025-03-10. Review status: criteria provided, single submitter. Criteria: ACMG Guidelines, 2015. Collection method: clinical testing. Allele origin: germline.
Comment: The P3H2 c.233_258dup26 variant is predicted to result in a frameshift and premature protein termination (p.His87Glyfs*126). To our knowledge, this variant has not been reported in the literature or in a large population database (gnomAD), indicating this variant is rare. Frameshift variants in P3H2 are expected to be pathogenic. This variant is interpreted as likely pathogenic.

Blueprint Genetics
Classification: Likely pathogenic for P3H2-related disorders. Last evaluated: 2022-12-28. Review status: criteria provided, single submitter. Criteria: ACMG Guidelines, 2015. Collection method: clinical testing. Allele origin: germline. Affected: yes. Observed: 5 variant alleles.

Literature cited by the submitters: PubMed 24172257 (cited by Labcorp Genetics (formerly Invitae), Labcorp); PubMed 25469533 (cited by Labcorp Genetics (formerly Invitae), Labcorp).